The following is an entry in ClinVar:

ClinVar aggregate classification (germline): Pathogenic (1 of 4 stars; one submission).

Conditions:
Autosomal recessive polycystic kidney disease (ARPKD). Also called: AR polycystic kidney disease. Identifiers: Orphanet 731, Orphanet 8378, MedGen C0085548, MeSH D017044, MONDO:0009889.

gnomAD v4.1: 1 of 1,607,678 alleles (0.000062%); highest among the groups gnomAD compares: Admixed American, 0.0017%; no homozygotes.

Submission:

Natera, Inc.
Classification: Pathogenic for Autosomal recessive polycystic kidney disease. Last evaluated: 2025-05-05. Review status: criteria provided, single submitter. Criteria: Natera Variant Classification Schema (03/2026). Collection method: clinical testing. Allele origin: germline.
Comment: The c.7351-2A>T variant in PKHD1 is a canonical splice acceptor site variant predicted to affect pre-mRNA splicing, which may result in an abnormal transcript and altered protein product. This variant is expected to result in nonsense mediated decay, truncation, or a dysfunctional protein product. This variant is rare in the general population with a frequency below the threshold expected for the associated phenotype(s). This variant has been observed in one or more individuals affected with the associated recessive disease, as either homozygous or compound heterozygous with a second variant (PMID: 16133180). Functional studies show that this variant may disrupt protein function (PMID: 36835961). Given the available evidence, this variant is classified as Pathogenic.

Literature cited by the submitters: PubMed 16133180; PubMed 36835961.

NM_138694.4(PKHD1):c.7351-2A>T

Gene: PKHD1 (PKHD1 ciliary IPT domain containing fibrocystin/polyductin; minus strand). Cytogenetic location: 6p12.2.
Variant type: single nucleotide variant.
Coding change: c.7351-2A>T on transcript NM_138694.4 (MANE Select); the canonical splice acceptor site of the intron before coding-DNA position 7351, A replaced by T.
Molecular consequence: splice acceptor variant.
Genome position (GRCh38, 1-based): chr6:51,870,641, T>A on the plus strand (A>T on the coding strand, the complement: PKHD1 is on the minus strand). VCF-style: chr6-51870641-T-A. GRCh37 (hg19) VCF-style: chr6-51735439-T-A.
Other names: c.7351-2A>T (NM_170724.3).
Identifiers: ClinVar variation 4816743 (VCV004816743.1).
Genomic context (GRCh38, chr6:51,870,641, plus strand): 5'-GACACCATCAGTTCCCATCTTTTAGGAGTTTTAATCCCAGATGACATACACAGACTTCCC[T>A]GTGATTTAAAAGAAAAAAAGATGAAAGCAAAATAAGAAAACTGGACACATGAAATACAAT-3'